The following is an entry in ClinVar:

ClinVar aggregate classification (germline): Likely benign (1 of 4 stars; one submission).

Allele frequency attached by ClinVar (database versions not stated): TOPMed 0.00006; gnomAD exomes 0.00002; ExAC 0.00003; gnomAD 0.00004.
gnomAD v4.1: 38 of 1,614,056 alleles (0.0024%); highest among the groups gnomAD compares: Admixed American, 0.022%; no homozygotes.

Submission:

CeGaT Center for Human Genetics Tuebingen
Classification: Likely benign. Last evaluated: 2022-11-01. Review status: criteria provided, single submitter. Criteria: CeGaT Center For Human Genetics Tuebingen Variant Classification Criteria Version 2. Collection method: clinical testing. Allele origin: germline. Affected: yes. Observed: 1 variant allele.
Comment: KCNAB2: BP4

NM_003636.4(KCNAB2):c.17C>T (p.Thr6Met)

Gene: KCNAB2 (potassium voltage-gated channel subfamily A regulatory beta subunit 2; plus strand). Cytogenetic location: 1p36.31.
Variant type: single nucleotide variant.
Coding change: c.17C>T on transcript NM_003636.4; coding-DNA position 17, C replaced by T.
Protein change: p.Thr6Met; replaces threonine 6 with methionine.
Molecular consequence: missense variant.
Genome position (GRCh38, 1-based): chr1:6,040,585, C>T. VCF-style: chr1-6040585-C-T. GRCh37 (hg19) VCF-style: chr1-6100645-C-T.
Other names: c.17C>T, p.Thr6Met (NM_001199860.2, NM_001199861.2, NM_172130.3); short protein forms T6M.
Identifiers: ClinVar variation 2638112 (VCV002638112.22), dbSNP rs200939954, ClinGen allele CA554992.
Genomic context (GRCh38, chr1:6,040,585, plus strand): 5'-CACTGTAAAAAACCGAGCAAGTCTGGATAAGTGAGGCTGGCTCCATGTATCCAGAATCAA[C>T]GACGGGCTCCCCGGCTCGGCTCTCGCTGCGGCAGACGGGCTCCCCCGGGATGATCTACAG-3'